The following is an entry in ClinVar:

ClinVar aggregate classification (germline): Uncertain significance (1 of 4 stars; one submission).

Conditions:
Familial adenomatous polyposis 1 (FAP1). Also called: FAMILIAL ADENOMATOUS POLYPOSIS 1, ATTENUATED; POLYPOSIS, ADENOMATOUS INTESTINAL. Identifiers: MedGen C2713442, MONDO:0021056, OMIM 175100. Disease mechanism: loss of function.

Allele frequency attached by ClinVar (database versions not stated): TOPMed below 0.00001.

Submission:

Labcorp Genetics (formerly Invitae), Labcorp
Classification: Uncertain significance for Familial adenomatous polyposis 1. Last evaluated: 2024-02-15. Review status: criteria provided, single submitter. Criteria: Invitae Variant Classification Sherloc (09022015). Collection method: clinical testing. Allele origin: germline.
Comment: This variant occurs in a non-coding region of the APC gene. It does not change the encoded amino acid sequence of the APC protein. This variant is not present in population databases (gnomAD no frequency). This variant has not been reported in the literature in individuals affected with APC-related conditions. ClinVar contains an entry for this variant (Variation ID: 469807). Experimental studies and prediction algorithms are not available or were not evaluated, and the functional significance of this variant is currently unknown. In summary, the available evidence is currently insufficient to determine the role of this variant in disease. Therefore, it has been classified as a Variant of Uncertain Significance.

NM_001127511.3(APC):c.-64T>C

Gene: APC (APC regulator of Wnt signaling pathway; plus strand). Cytogenetic location: 5q22.2.
Variant type: single nucleotide variant.
Coding change: c.-64T>C on transcript NM_001127511.3; 64 bases upstream of the start codon, T replaced by C.
Molecular consequence: 5 prime UTR variant. On other transcripts: non-coding transcript variant (1), intron variant (5).
Genome position (GRCh38, 1-based): chr5:112,707,654, T>C. VCF-style: chr5-112707654-T-C. GRCh37 (hg19) VCF-style: chr5-112043351-T-C.
Other names: c.-247T>C (NM_001354895.2, NM_001407447.1, NM_001407452.1 and 3 more transcripts); c.-64T>C (NM_001354897.2, NM_001354902.2, NM_001407446.1); c.-1282T>C (NM_001407470.1, NM_001407472.1); c.-19+5T>C (NM_001407448.1, NM_001407450.1, NM_001407457.1 and 1 more transcripts); c.-43+5T>C (NM_001407453.1).
Identifiers: ClinVar variation 469807 (VCV000469807.9), dbSNP rs1554060239, ClinGen allele CA658655903.